The following is an entry in ClinVar:

ClinVar aggregate classification (germline): Uncertain significance. Review status: criteria provided, multiple submitters, no conflicts (2 of 4 stars). 3 submissions from 3 submitters: Uncertain significance (3). Last evaluated 2025-01-09.

Conditions:
Inborn genetic diseases. Identifiers: MedGen C0950123, MeSH D030342.
Mitochondrial DNA depletion syndrome 1. Also called: Mitochondrial DNA Depletion Syndrome, MNGIE Form; POLIP SYNDROME; POLYNEUROPATHY, OPHTHALMOPLEGIA, LEUKOENCEPHALOPATHY, AND INTESTINAL PSEUDOOBSTRUCTION; Mitochondrial neurogastrointestinal encephalomyopathy syndrome; Mitochondrial DNA depletion syndrome 1 (MNGIE type); Mitochondrial Neurogastrointestinal Encephalopathy Disease. Identifiers: Orphanet 298, MedGen C4551995, MONDO:0011283, OMIM 603041.

Allele frequency attached by ClinVar (database versions not stated): TOPMed below 0.00001.
gnomAD v4.1: 4 of 1,613,052 alleles (0.00025%); highest among the groups gnomAD compares: Admixed American, 0.005%; no homozygotes.

Submissions (3):

Ambry Genetics
Classification: Uncertain significance for Inborn genetic diseases. Last evaluated: 2025-01-09. Review status: criteria provided, single submitter. Criteria: Ambry Variant Classification Scheme 2023. Collection method: clinical testing. Allele origin: germline.

Labcorp Genetics (formerly Invitae), Labcorp
Classification: Uncertain significance. Last evaluated: 2022-08-09. Review status: criteria provided, single submitter. Criteria: Invitae Variant Classification Sherloc (09022015). Collection method: clinical testing. Allele origin: germline.
Comment: This sequence change replaces alanine, which is neutral and non-polar, with threonine, which is neutral and polar, at codon 60 of the TYMP protein (p.Ala60Thr). This variant is present in population databases (no rsID available, gnomAD 0.006%). This variant has not been reported in the literature in individuals affected with TYMP-related conditions. ClinVar contains an entry for this variant (Variation ID: 1442892). Advanced modeling of protein sequence and biophysical properties (such as structural, functional, and spatial information, amino acid conservation, physicochemical variation, residue mobility, and thermodynamic stability) performed at Invitae indicates that this missense variant is not expected to disrupt TYMP protein function. In summary, the available evidence is currently insufficient to determine the role of this variant in disease. Therefore, it has been classified as a Variant of Uncertain Significance.

Fulgent Genetics
Classification: Uncertain significance for Mitochondrial DNA depletion syndrome 1. Last evaluated: 2021-09-07. Review status: criteria provided, single submitter. Criteria: ACMG Guidelines, 2015. Collection method: clinical testing. Allele origin: unknown.

NM_001953.5(TYMP):c.178G>A (p.Ala60Thr)

Gene: TYMP (thymidine phosphorylase; minus strand). Cytogenetic location: 22q13.33.
Variant type: single nucleotide variant.
Coding change: c.178G>A on transcript NM_001953.5 (MANE Select); coding-DNA position 178, G replaced by A.
Protein change: p.Ala60Thr; replaces alanine 60 with threonine.
Molecular consequence: missense variant.
Genome position (GRCh38, 1-based): chr22:50,529,532, C>T on the plus strand (G>A on the coding strand, the complement: TYMP is on the minus strand). VCF-style: chr22-50529532-C-T. GRCh37 (hg19) VCF-style: chr22-50967961-C-T.
Other names: c.178G>A, p.Ala60Thr (NM_001113755.3, NM_001113756.3, NM_001257988.1 and 1 more transcripts); c.178G>A (NM_001953.3); short protein forms A60T.
Identifiers: ClinVar variation 1442892 (VCV001442892.7), dbSNP rs1258773019, ClinGen allele CA412202542.